The following is an entry in ClinVar:

NM_001134363.3(RBM20):c.3473G>C (p.Arg1158Thr)

Gene: RBM20 (RNA binding motif protein 20; plus strand). Cytogenetic location: 10q25.2.
Variant type: single nucleotide variant.
Coding change: c.3473G>C on transcript NM_001134363.3 (MANE Select); coding-DNA position 3473, G replaced by C.
Protein change: p.Arg1158Thr; replaces arginine 1158 with threonine.
Molecular consequence: missense variant.
Genome position (GRCh38, 1-based): chr10:110,831,082, G>C. VCF-style: chr10-110831082-G-C. GRCh37 (hg19) VCF-style: chr10-112590840-G-C.
Other names: short protein forms R1158T.
Identifiers: ClinVar variation 2636264 (VCV002636264.5), dbSNP rs552858236, ClinGen allele CA213235015.

ClinVar aggregate classification (germline): Uncertain significance. Review status: criteria provided, multiple submitters, no conflicts (2 of 4 stars). 3 submissions from 3 submitters: Uncertain significance (3). Last evaluated 2025-04-09.

Conditions:
RBM20-related disorder. Also called: RBM20-related condition.
Cardiovascular phenotype. Identifiers: MedGen CN230736.
Dilated cardiomyopathy 1DD (CMD1DD). Identifiers: Orphanet 154, MedGen C2750995, MONDO:0013168, OMIM 613172.

Allele frequency attached by ClinVar (database versions not stated): gnomAD exomes below 0.00001; gnomAD 0.00001; 1000 Genomes Project 30x 0.00016; 1000 Genomes Project 0.00020.
gnomAD v4.1: 4 of 1,551,450 alleles (0.00026%); highest among the groups gnomAD compares: South Asian, 0.0048%; no homozygotes.

Submissions (3):

Molecular Diagnostic Laboratory for Inherited Cardiovascular Disease, Montreal Heart Institute
Classification: Uncertain significance for Cardiovascular phenotype. Last evaluated: 2025-04-09. Review status: criteria provided, single submitter. Criteria: ACMG Guidelines, 2015. Collection method: clinical testing. Allele origin: germline. Affected: yes.
Comment: PM2

Labcorp Genetics (formerly Invitae), Labcorp
Classification: Uncertain significance for Dilated cardiomyopathy 1DD. Last evaluated: 2024-01-25. Review status: criteria provided, single submitter. Criteria: Invitae Variant Classification Sherloc (09022015). Collection method: clinical testing. Allele origin: germline.
Comment: This sequence change replaces arginine, which is basic and polar, with threonine, which is neutral and polar, at codon 1158 of the RBM20 protein (p.Arg1158Thr). This variant is present in population databases (rs552858236, gnomAD 0.004%). This variant has not been reported in the literature in individuals affected with RBM20-related conditions. ClinVar contains an entry for this variant (Variation ID: 2636264). Advanced modeling of protein sequence and biophysical properties (such as structural, functional, and spatial information, amino acid conservation, physicochemical variation, residue mobility, and thermodynamic stability) performed at Invitae indicates that this missense variant is not expected to disrupt RBM20 protein function with a negative predictive value of 95%. In summary, the available evidence is currently insufficient to determine the role of this variant in disease. Therefore, it has been classified as a Variant of Uncertain Significance.

PreventionGenetics, part of Exact Sciences
Classification: Uncertain significance for RBM20-related condition. Last evaluated: 2023-06-15. Review status: criteria provided, single submitter. Criteria: ACMG Guidelines, 2015. Collection method: clinical testing. Allele origin: germline.
Comment: The RBM20 c.3473G>C variant is predicted to result in the amino acid substitution p.Arg1158Thr. To our knowledge, this variant has not been reported in the literature or in a large population database, indicating this variant is rare. At this time, the clinical significance of this variant is uncertain due to the absence of conclusive functional and genetic evidence.